The following is an entry in ClinVar:

NM_001113491.2(SEPTIN9):c.1477-18C>T

Gene: SEPTIN9 (septin 9; plus strand). Cytogenetic location: 17q25.3.
Variant type: single nucleotide variant.
Coding change: c.1477-18C>T on transcript NM_001113491.2 (MANE Select); 18 bases into the intron before coding-DNA position 1477, C replaced by T.
Molecular consequence: intron variant.
Genome position (GRCh38, 1-based): chr17:77,492,962, C>T. VCF-style: chr17-77492962-C-T. GRCh37 (hg19) VCF-style: chr17-75489044-C-T.
Other names: c.1420-18C>T (NM_001293695.2); c.985-18C>T (NM_001113492.2, NM_001113494.1); c.1423-18C>T (NM_006640.5); c.1456-18C>T (NM_001113493.2); c.805-18C>T (NM_001293696.2); c.724-18C>T (NM_001113496.2, NM_001293697.2, NM_001293698.2 and 1 more transcripts).
Identifiers: ClinVar variation 2445509 (VCV002445509.5), dbSNP rs774317900, ClinGen allele CA8793822.

ClinVar aggregate classification (germline): Benign/Likely benign. Review status: criteria provided, multiple submitters, no conflicts (2 of 4 stars). 2 submissions from 2 submitters: Benign (1); Likely benign (1). Last evaluated 2024-12-09.

Allele frequency attached by ClinVar (database versions not stated): ExAC 0.00004; gnomAD exomes 0.00005; TOPMed 0.00005; gnomAD 0.00009.
gnomAD v4.1: 79 of 1,554,888 alleles (0.0051%); highest among the groups gnomAD compares: Middle Eastern, 0.067%; no homozygotes.

Submissions (2):

Women's Health and Genetics/Laboratory Corporation of America, LabCorp
Classification: Benign. Last evaluated: 2024-12-09. Review status: criteria provided, single submitter. Criteria: LabCorp Variant Classification Summary - May 2015. Collection method: clinical testing. Allele origin: germline.
Comment: Variant summary: SEPTIN9 c.1423-18C>T alters a non-conserved nucleotide located at a position not widely known to affect splicing. Consensus agreement among computation tools predict no significant impact on normal splicing. However, these predictions have yet to be confirmed by functional studies. The variant allele was found at a frequency of 8.6e-05 in 196872 control chromosomes, predominantly at a frequency of 0.00013 within the Non-Finnish European subpopulation in the gnomAD database. The observed variant frequency within Non-Finnish European control individuals in the gnomAD database is approximately 130 fold of the estimated maximal expected allele frequency for a pathogenic variant in SEPTIN9 causing Amyotrophic neuralgia phenotype (1e-06). To our knowledge, no occurrence of c.1423-18C>T in individuals affected with Amyotrophic neuralgia and no experimental evidence demonstrating its impact on protein function have been reported. ClinVar contains an entry for this variant (Variation ID: 2445509). Based on the evidence outlined above, the variant was classified as benign.

Labcorp Genetics (formerly Invitae), Labcorp
Classification: Likely benign. Last evaluated: 2023-10-27. Review status: criteria provided, single submitter. Criteria: Invitae Variant Classification Sherloc (09022015). Collection method: clinical testing. Allele origin: germline.